The following is an entry in ClinVar:

NM_000018.4(ACADVL):c.1038G>A (p.Ala346=)

Gene: ACADVL (acyl-CoA dehydrogenase very long chain; plus strand). Cytogenetic location: 17p13.1.
Variant type: single nucleotide variant.
Coding change: c.1038G>A on transcript NM_000018.4 (MANE Select); coding-DNA position 1038, G replaced by A.
Protein change: p.Ala346=; no amino-acid change (alanine 346 retained).
Molecular consequence: synonymous variant.
Genome position (GRCh38, 1-based): chr17:7,222,826, G>A. VCF-style: chr17-7222826-G-A. GRCh37 (hg19) VCF-style: chr17-7126145-G-A.
Other names: NM_000018.4(ACADVL):c.1038G>A; p.Ala346=; c.972G>A, p.Ala324= (NM_001033859.3); c.1107G>A, p.Ala369= (NM_001270447.2); c.810G>A, p.Ala270= (NM_001270448.2).
Identifiers: ClinVar variation 21012 (VCV000021012.43), dbSNP rs8064573, ClinGen allele CA145601.

ClinVar aggregate classification (germline): Benign. Review status: reviewed by expert panel (3 of 4 stars). 11 submissions from 11 submitters: Benign (1). 10 of the submissions do not count toward it. Last evaluated 2022-03-08.

Conditions:
Very long chain acyl-CoA dehydrogenase deficiency (ACADVLD). Also called: VLCAD Deficiency; Very Long-Chain Acyl-Coenzyme A Dehydrogenase Deficiency. Identifiers: Orphanet 26793, MedGen C3887523, MONDO:0008723, OMIM 201475.

Allele frequency attached by ClinVar (database versions not stated): gnomAD exomes 0.00642; ExAC 0.00760; gnomAD 0.02259 and 0.02419; ESP Exome Variant Server 0.02445; TOPMed 0.02612; 1000 Genomes Project 0.02636; 1000 Genomes Project 30x 0.02795.

Submissions (11):

ClinGen ACADVL Variant Curation Expert Panel, ClinGen
Classification: Benign for Very long chain acyl-CoA dehydrogenase deficiency. Last evaluated: 2022-03-08. Review status: reviewed by expert panel. Criteria: clingen acadvl acmg specifications v1. Collection method: curation. Allele origin: germline. Inheritance: Autosomal recessive inheritance.
Comment: The c.1038G>A variant in ACADVL is a synonymous variant which occurs in exon 10. The highest population minor allele frequency in gnomAD v2.1.1 is 0.08089 in the African/African American population, which is higher than the ClinGen ACADVL Variant Curation Expert Panel threshold (≥0.007) for BA1, and therefore meets this criterion (BA1). The results from 2 in silico splicing predictors (SpliceAI, MutationTaster) support that this variant does not affect splicing. In addition, it occurs at a nucleotide that is not conserved as shown by the 100 vertebrate Basewise Conservation by PhyloP track in the UCSC genome browser (BP4, BP7). In summary, this variant meets the criteria to be classified as benign for autosomal recessive very long chain acyl-CoA dehydrogenase (VLCAD) deficiency based on the ACMG/AMP criteria applied, as specified by the ClinGen ACADVL Variant Curation Expert Panel: BA1, BP4, BP7 (VCEP specifications v2.0, approved on 09/16/2021).

Labcorp Genetics (formerly Invitae), Labcorp
Classification: Benign for Very long chain acyl-CoA dehydrogenase deficiency. Last evaluated: 2026-02-04. Review status: criteria provided, single submitter. Criteria: Invitae Variant Classification Sherloc (09022015). Collection method: clinical testing. Allele origin: germline. Not counted in ClinVar's aggregate classification.

ARUP Laboratories, Molecular Genetics and Genomics, ARUP Laboratories
Classification: Benign for Very long chain acyl-CoA dehydrogenase deficiency. Last evaluated: 2025-07-23. Review status: criteria provided, single submitter. Criteria: ARUP Molecular Germline Variant Investigation Process 2024. Collection method: clinical testing. Allele origin: germline. Not counted in ClinVar's aggregate classification.

Mayo Clinic Laboratories, Mayo Clinic
Classification: Benign. Last evaluated: 2023-02-20. Review status: criteria provided, single submitter. Criteria: ACMG Guidelines, 2015. Collection method: clinical testing. Allele origin: germline. Observed: 41 variant alleles. Not counted in ClinVar's aggregate classification.

Women's Health and Genetics/Laboratory Corporation of America, LabCorp
Classification: Benign. Last evaluated: 2023-01-02. Review status: criteria provided, single submitter. Criteria: LabCorp Variant Classification Summary - May 2015. Collection method: clinical testing. Allele origin: germline. Not counted in ClinVar's aggregate classification.

Illumina Laboratory Services, Illumina
Classification: Benign for Very long chain acyl-CoA dehydrogenase deficiency. Last evaluated: 2018-01-12. Review status: criteria provided, single submitter. Criteria: ICSL Variant Classification Criteria 13 December 2019. Collection method: clinical testing. Allele origin: germline. Not counted in ClinVar's aggregate classification.
Comment: This variant was observed in the ICSL laboratory as part of a predisposition screen in an ostensibly healthy population. It had not been previously curated by ICSL or reported in the Human Gene Mutation Database (HGMD: prior to June 1st, 2018), and was therefore a candidate for classification through an automated scoring system. Utilizing variant allele frequency, disease prevalence and penetrance estimates, and inheritance mode, an automated score was calculated to assess if this variant is too frequent to cause the disease. Based on the score and internal cut-off values, a variant classified as benign is not then subjected to further curation. The score for this variant resulted in a classification of benign for this disease.

GeneDx
Classification: Benign. Last evaluated: 2015-03-03. Review status: criteria provided, single submitter. Criteria: GeneDx Variant Classification Process June 2021. Collection method: clinical testing. Allele origin: germline. Affected: yes. Not counted in ClinVar's aggregate classification.

Eurofins Ntd Llc (ga)
Classification: Benign. Last evaluated: 2014-02-20. Review status: criteria provided, single submitter. Criteria: EGL Classification Definitions 2015. Collection method: clinical testing. Allele origin: germline. Observed: 6 variant alleles, 6 heterozygotes. Not counted in ClinVar's aggregate classification.

Breakthrough Genomics
Classification: Benign. Review status: criteria provided, single submitter. Criteria: ACMG Guidelines, 2015. Collection method: not provided. Allele origin: germline. Inheritance: Autosomal recessive inheritance. Affected: yes. Not counted in ClinVar's aggregate classification.

PreventionGenetics, part of Exact Sciences
Classification: Benign. Review status: criteria provided, single submitter. Criteria: ACMG Guidelines, 2015. Collection method: clinical testing. Allele origin: germline. Not counted in ClinVar's aggregate classification.

Natera, Inc.
Classification: Benign for Very long chain acyl-CoA dehydrogenase deficiency. Last evaluated: 2020-09-16. Review status: no assertion criteria provided. Collection method: clinical testing. Allele origin: germline. Not counted in ClinVar's aggregate classification.